The following is an entry in ClinVar:

NM_014881.5(DCLRE1A):c.412C>T (p.Arg138Ter)

Gene: DCLRE1A (DNA cross-link repair 1A; minus strand). Cytogenetic location: 10q25.3.
Variant type: single nucleotide variant.
Coding change: c.412C>T on transcript NM_014881.5 (MANE Select); coding-DNA position 412, C replaced by T.
Protein change: p.Arg138Ter; replaces arginine 138 with a stop codon.
Molecular consequence: nonsense.
Genome position (GRCh38, 1-based): chr10:113,852,771, G>A on the plus strand (C>T on the coding strand, the complement: DCLRE1A is on the minus strand). VCF-style: chr10-113852771-G-A. GRCh37 (hg19) VCF-style: chr10-115612530-G-A.
Other names: c.412C>T, p.Arg138Ter (NM_001271816.2); short protein forms R138*.
Identifiers: ClinVar variation 4871937 (VCV004871937.3).

ClinVar aggregate classification (germline): Conflicting classifications of pathogenicity. Review status: criteria provided, conflicting classifications (1 of 4 stars). 2 submissions from 2 submitters: Likely pathogenic (1); Likely benign (1). Last evaluated 2026-05-01.

Conditions:
Primary ciliary dyskinesia. Also called: Ciliary dyskinesia. Identifiers: Orphanet 244, MedGen C0008780, MONDO:0016575, HP:0012265.

gnomAD v4.1: 6,262 of 1,614,126 alleles (0.39%); highest among the groups gnomAD compares: Non-Finnish European, 0.46%; 19 homozygotes.

Submissions (2):

CeGaT Center for Human Genetics Tuebingen
Classification: Likely benign. Last evaluated: 2026-05-01. Review status: criteria provided, single submitter. Criteria: CeGaT Center For Human Genetics Tuebingen Variant Classification Criteria Version 2. Collection method: clinical testing. Allele origin: germline. Affected: yes. Observed: 1 variant allele.
Comment: DCLRE1A: BS2

Department of Human Genetics, Hannover Medical School
Classification: Likely pathogenic for Primary Ciliary Dyskinesia. Last evaluated: 2026-04-01. Review status: criteria provided, single submitter. Criteria: ACMG Guidelines, 2015. Collection method: research. Allele origin: germline. Affected: no.
Comment: Classification performed by HerediClassify using the following criteria:['PVS1_protein_very_strong: Transcript ENST00000361384 is predicted to undergo NMD.']